The following is an entry in ClinVar:

ClinVar aggregate classification (germline): Uncertain significance (1 of 4 stars; one submission).

gnomAD v4.1: 10 of 1,613,668 alleles (0.00062%); highest among the groups gnomAD compares: African/African-American, 0.013%; no homozygotes.

Submission:

Women's Health and Genetics/Laboratory Corporation of America, LabCorp
Classification: Uncertain significance. Last evaluated: 2024-09-24. Review status: criteria provided, single submitter. Criteria: LabCorp Variant Classification Summary - May 2015. Collection method: clinical testing. Allele origin: germline.
Comment: Variant summary: CFH c.3134-6A>C alters a non-conserved nucleotide located close to a canonical splice site and therefore could affect mRNA splicing, leading to a significantly altered protein sequence. Consensus agreement among computation tools predict no significant impact on normal splicing. However, these predictions have yet to be confirmed by functional studies. The variant allele was found at a frequency of 4e-06 in 251304 control chromosomes. The available data on variant occurrences in the general population are insufficient to allow any conclusion about variant significance. To our knowledge, no occurrence of c.3134-6A>C in individuals affected with CFH-Related Disorders and no experimental evidence demonstrating its impact on protein function have been reported. No submitters have cited clinical-significance assessments for this variant to ClinVar. Based on the evidence outlined above, the variant was classified as uncertain significance.

NM_000186.4(CFH):c.3134-6A>C

Gene: CFH (complement factor H; plus strand). Cytogenetic location: 1q31.3.
Variant type: single nucleotide variant.
Coding change: c.3134-6A>C on transcript NM_000186.4 (MANE Select); 6 bases into the intron before coding-DNA position 3134, A replaced by C.
Molecular consequence: intron variant.
Genome position (GRCh38, 1-based): chr1:196,743,446, A>C. VCF-style: chr1-196743446-A-C. GRCh37 (hg19) VCF-style: chr1-196712576-A-C.
Identifiers: ClinVar variation 3375263 (VCV003375263.1).